The following is an entry in ClinVar:

ClinVar aggregate classification (germline): Uncertain significance (1 of 4 stars; one submission).

Conditions:
X-linked Emery-Dreifuss muscular dystrophy. Also called: Muscular dystrophy, tardive Emery-Dreifuss type, with contractures. Identifiers: Orphanet 261, Orphanet 98863, MedGen C0751337, MONDO:0010680.

Submission:

Labcorp Genetics (formerly Invitae), Labcorp
Classification: Uncertain significance for X-linked Emery-Dreifuss muscular dystrophy. Last evaluated: 2024-03-07. Review status: criteria provided, single submitter. Criteria: Invitae Variant Classification Sherloc (09022015). Collection method: clinical testing. Allele origin: germline.
Comment: This sequence change replaces leucine, which is neutral and non-polar, with phenylalanine, which is neutral and non-polar, at codon 76 of the EMD protein (p.Leu76Phe). This variant is not present in population databases (gnomAD no frequency). This variant has not been reported in the literature in individuals affected with EMD-related conditions. Advanced modeling of protein sequence and biophysical properties (such as structural, functional, and spatial information, amino acid conservation, physicochemical variation, residue mobility, and thermodynamic stability) performed at Invitae indicates that this missense variant is not expected to disrupt EMD protein function with a negative predictive value of 80%. In summary, the available evidence is currently insufficient to determine the role of this variant in disease. Therefore, it has been classified as a Variant of Uncertain Significance.

NM_000117.3(EMD):c.226C>T (p.Leu76Phe)

Gene: EMD (emerin; plus strand). Cytogenetic location: Xq28.
Variant type: single nucleotide variant.
Coding change: c.226C>T on transcript NM_000117.3 (MANE Select); coding-DNA position 226, C replaced by T.
Protein change: p.Leu76Phe; replaces leucine 76 with phenylalanine.
Molecular consequence: missense variant.
Genome position (GRCh38, 1-based): chrX:154,379,980, C>T. VCF-style: chrX-154379980-C-T. GRCh37 (hg19) VCF-style: chrX-153608340-C-T.
Other names: short protein forms L76F.
Identifiers: ClinVar variation 3670047 (VCV003670047.2).